The following is an entry in ClinVar:

ClinVar aggregate classification (germline): Uncertain significance (1 of 4 stars; one submission).

Submission:

Labcorp Genetics (formerly Invitae), Labcorp
Classification: Uncertain significance. Last evaluated: 2023-10-04. Review status: criteria provided, single submitter. Criteria: Invitae Variant Classification Sherloc (09022015). Collection method: clinical testing. Allele origin: germline.
Comment: This sequence change replaces glutamic acid, which is acidic and polar, with aspartic acid, which is acidic and polar, at codon 110 of the SNIP1 protein (p.Glu110Asp). This variant is not present in population databases (gnomAD no frequency). This variant has not been reported in the literature in individuals affected with SNIP1-related conditions. An algorithm developed to predict the effect of missense changes on protein structure and function (PolyPhen-2) suggests that this variant is likely to be disruptive. In summary, the available evidence is currently insufficient to determine the role of this variant in disease. Therefore, it has been classified as a Variant of Uncertain Significance.

NM_024700.4(SNIP1):c.330G>T (p.Glu110Asp)

Genes: SNIP1 (Smad nuclear interacting protein 1; minus strand), LOC126805704 (BRD4-independent group 4 enhancer GRCh37_chr1:38005292-38006491; plus strand). Cytogenetic location: 1p34.3.
Variant type: single nucleotide variant.
Coding change: c.330G>T on transcript NM_024700.4 (MANE Select); coding-DNA position 330, G replaced by T.
Protein change: p.Glu110Asp; replaces glutamic acid 110 with aspartic acid.
Molecular consequence: missense variant.
Genome position (GRCh38, 1-based): chr1:37,540,753, C>A on the plus strand (G>T on the coding strand, the complement: SNIP1 is on the minus strand). VCF-style: chr1-37540753-C-A. GRCh37 (hg19) VCF-style: chr1-38006354-C-A.
Other names: short protein forms E110D.
Identifiers: ClinVar variation 2764761 (VCV002764761.3), dbSNP rs1384830888, ClinGen allele CA339453016.